The following is an entry in ClinVar:

ClinVar aggregate classification (germline): Uncertain significance (1 of 4 stars; one submission).

Allele frequency attached by ClinVar (database versions not stated): gnomAD 0.00003; TOPMed 0.00003; ExAC 0.00005; ESP Exome Variant Server 0.00008.
gnomAD v4.1: 38 of 1,567,398 alleles (0.0024%); highest among the groups gnomAD compares: African/African-American, 0.0028%; no homozygotes.

Submission:

Labcorp Genetics (formerly Invitae), Labcorp
Classification: Uncertain significance. Last evaluated: 2024-07-20. Review status: criteria provided, single submitter. Criteria: Invitae Variant Classification Sherloc (09022015). Collection method: clinical testing. Allele origin: germline.
Comment: This sequence change falls in intron 14 of the DOCK6 gene. It does not directly change the encoded amino acid sequence of the DOCK6 protein. It affects a nucleotide within the consensus splice site. The frequency data for this variant in the population databases is considered unreliable, as metrics indicate poor data quality at this position in the gnomAD database. This variant has not been reported in the literature in individuals affected with DOCK6-related conditions. ClinVar contains an entry for this variant (Variation ID: 1948409). Variants that disrupt the consensus splice site are a relatively common cause of aberrant splicing (PMID: 17576681, 9536098). Algorithms developed to predict the effect of sequence changes on RNA splicing suggest that this variant is not likely to affect RNA splicing. In summary, the available evidence is currently insufficient to determine the role of this variant in disease. Therefore, it has been classified as a Variant of Uncertain Significance.

Literature cited by the submitters: PubMed 17576681; PubMed 9536098.

NM_020812.4(DOCK6):c.1643+4C>T

Gene: DOCK6 (dedicator of cytokinesis 6; minus strand). Cytogenetic location: 19p13.2.
Variant type: single nucleotide variant.
Coding change: c.1643+4C>T on transcript NM_020812.4 (MANE Select); 4 bases into the intron after coding-DNA position 1643, C replaced by T.
Molecular consequence: intron variant.
Genome position (GRCh38, 1-based): chr19:11,242,041, G>A on the plus strand (C>T on the coding strand, the complement: DOCK6 is on the minus strand). VCF-style: chr19-11242041-G-A. GRCh37 (hg19) VCF-style: chr19-11352717-G-A.
Other names: c.1643+4C>T (NM_001367830.1).
Identifiers: ClinVar variation 1948409 (VCV001948409.4), dbSNP rs372090483, ClinGen allele CA9208079.